The following is an entry in ClinVar:

NM_016180.5(SLC45A2):c.44C>T (p.Ser15Phe)

Gene: SLC45A2 (solute carrier family 45 member 2; minus strand). Cytogenetic location: 5p13.2.
Variant type: single nucleotide variant.
Coding change: c.44C>T on transcript NM_016180.5 (MANE Select); coding-DNA position 44, C replaced by T.
Protein change: p.Ser15Phe; replaces serine 15 with phenylalanine.
Molecular consequence: missense variant.
Genome position (GRCh38, 1-based): chr5:33,984,540, G>A on the plus strand (C>T on the coding strand, the complement: SLC45A2 is on the minus strand). VCF-style: chr5-33984540-G-A. GRCh37 (hg19) VCF-style: chr5-33984645-G-A.
Other names: c.44C>T, p.Ser15Phe (NM_001012509.4, NM_001297417.4); short protein forms S15F.
Identifiers: ClinVar variation 1479459 (VCV001479459.5), dbSNP rs780808905, ClinGen allele CA3225886.

ClinVar aggregate classification (germline): Uncertain significance (1 of 4 stars; one submission).

Allele frequency attached by ClinVar (database versions not stated): ExAC 0.00007; gnomAD 0.00007 and 0.00009; TOPMed 0.00007; gnomAD exomes 0.00003.
gnomAD v4.1: 20 of 1,612,478 alleles (0.0012%); highest among the groups gnomAD compares: African/African-American, 0.021%; no homozygotes.

Submission:

Labcorp Genetics (formerly Invitae), Labcorp
Classification: Uncertain significance. Last evaluated: 2022-02-16. Review status: criteria provided, single submitter. Criteria: Invitae Variant Classification Sherloc (09022015). Collection method: clinical testing. Allele origin: germline.
Comment: This sequence change replaces serine, which is neutral and polar, with phenylalanine, which is neutral and non-polar, at codon 15 of the SLC45A2 protein (p.Ser15Phe). This variant is present in population databases (rs780808905, gnomAD 0.03%). This variant has not been reported in the literature in individuals affected with SLC45A2-related conditions. Algorithms developed to predict the effect of missense changes on protein structure and function are either unavailable or do not agree on the potential impact of this missense change (SIFT: "Tolerated"; PolyPhen-2: "Possibly Damaging"; Align-GVGD: "Class C0"). In summary, the available evidence is currently insufficient to determine the role of this variant in disease. Therefore, it has been classified as a Variant of Uncertain Significance.